The following is an entry in ClinVar:

NM_130385.4(IRAG1):c.347A>G (p.Lys116Arg)

Gene: IRAG1 (inositol 1,4,5-triphosphate receptor associated 1; minus strand). Cytogenetic location: 11p15.4.
Variant type: single nucleotide variant.
Coding change: c.347A>G on transcript NM_130385.4 (MANE Select); coding-DNA position 347, A replaced by G.
Protein change: p.Lys116Arg; replaces lysine 116 with arginine.
Molecular consequence: missense variant. On other transcripts: 5 prime UTR variant (2).
Genome position (GRCh38, 1-based): chr11:10,632,044, T>C on the plus strand (A>G on the coding strand, the complement: IRAG1 is on the minus strand). VCF-style: chr11-10632044-T-C. GRCh37 (hg19) VCF-style: chr11-10653591-T-C.
Other names: NC_000011.9:g.10653591T>C; c.320A>G, p.Lys107Arg (NM_001098579.3); c.74A>G, p.Lys25Arg (NM_001100163.3); c.-602A>G (NM_001100167.3); c.347A>G, p.Lys116Arg (NM_001206880.2); c.-546A>G (NM_001206881.2); c.341A>G, p.Lys114Arg (NM_006069.2); short protein forms K107R, K114R, K116R, K25R.
Identifiers: ClinVar variation 3025246 (VCV003025246.23), dbSNP rs200745599, ClinGen allele CA5884594.

ClinVar aggregate classification (germline): Likely benign (1 of 4 stars; one submission).

Allele frequency attached by ClinVar (database versions not stated): gnomAD exomes 0.00024; ExAC 0.00058; 1000 Genomes Project 30x 0.00172; 1000 Genomes Project 0.00180; ESP Exome Variant Server 0.00210; gnomAD 0.00213; TOPMed 0.00244.
gnomAD v4.1: 679 of 1,613,842 alleles (0.042%); highest among the groups gnomAD compares: African/African-American, 0.82%; no homozygotes.

Submissions (2):

CeGaT Center for Human Genetics Tuebingen
Classification: Likely benign. Last evaluated: 2024-02-01. Review status: criteria provided, single submitter. Criteria: CeGaT Center For Human Genetics Tuebingen Variant Classification Criteria Version 2. Collection method: clinical testing. Allele origin: germline. Affected: yes. Observed: 1 variant allele.
Comment: IRAG1: BP4

Dr. Peter K. Rogan Lab, Western University
No classification provided (evidence only). Condition: Familial cancer of breast. Review status: no classification provided. Collection method: in vitro. Allele origin: not applicable. Functional consequence: retained intron. Not counted in ClinVar's aggregate classification.